The following is an entry in ClinVar:

ClinVar aggregate classification (germline): Likely pathogenic (1 of 4 stars; one submission).

Conditions:
Hereditary spherocytosis type 1. Also called: Spherocytosis type 1; ANK1-Related Spherocytosis. Identifiers: Orphanet 822, MedGen C2674218, MONDO:0008447, OMIM 182900.

Submission:

Neuberg Centre For Genomic Medicine, NCGM
Classification: Likely pathogenic for Hereditary spherocytosis type 1. Last evaluated: 2024-02-01. Review status: criteria provided, single submitter. Criteria: ACMG Guidelines, 2015. Collection method: clinical testing. Allele origin: germline. Inheritance: Autosomal dominant inheritance. Affected: yes.
Comment: The above variant has not been reported previously in affected individuals, to our knowledge. This variant is predicted to cause loss of normal protein function through protein truncation. Loss of function variants have been previously reported to be disease causing. For these reasons, this variant has been classified as Likely Pathogenic.

NM_000037.4(ANK1):c.5359C>T (p.Gln1787Ter)

Gene: ANK1 (ankyrin 1; minus strand). Cytogenetic location: 8p11.21.
Variant type: single nucleotide variant.
Coding change: c.5359C>T on transcript NM_000037.4 (MANE Select); coding-DNA position 5359, C replaced by T.
Protein change: p.Gln1787Ter; replaces glutamine 1787 with a stop codon.
Molecular consequence: nonsense.
Genome position (GRCh38, 1-based): chr8:41,668,302, G>A on the plus strand (C>T on the coding strand, the complement: ANK1 is on the minus strand). VCF-style: chr8-41668302-G-A. GRCh37 (hg19) VCF-style: chr8-41525820-G-A.
Other names: c.5482C>T, p.Gln1828Ter (NM_001142446.2); c.5359C>T, p.Gln1787Ter (NM_020475.3, NM_020476.3); c.4873C>T, p.Gln1625Ter (NM_020477.3); short protein forms Q1625*, Q1787*, Q1828*.
Identifiers: ClinVar variation 3895526 (VCV003895526.1).